The following is an entry in ClinVar:

NC_000023.11:g.(?_100296257)_(100296895_?)del

Gene: PCDH19 (protocadherin 19; minus strand). Cytogenetic location: Xq22.1.
Variant type: Deletion.
Identifiers: ClinVar variation 533859 (VCV000533859.11).

ClinVar aggregate classification (germline): Pathogenic (1 of 4 stars; one submission).

Conditions:
Developmental and epileptic encephalopathy, 9 (DEE9). Also called: Early infantile epileptic encephalopathy 9; EPILEPSY, FEMALE-RESTRICTED, WITH MENTAL RETARDATION; JUBERG-HELLMAN SYNDROME; PCDH19-Related X-Linked Female-Limited Epilepsy with Mental Retardation. Identifiers: Orphanet 101039, Orphanet 2076, MedGen C1848137, MONDO:0010246, OMIM 300088. Disease mechanism: loss of function.

Submission:

Labcorp Genetics (formerly Invitae), Labcorp
Classification: Pathogenic for Developmental and epileptic encephalopathy, 9. Last evaluated: 2022-02-24. Review status: criteria provided, single submitter. Criteria: Invitae Variant Classification Sherloc (09022015). Collection method: clinical testing. Allele origin: germline.
Comment: For these reasons, this variant has been classified as Pathogenic. Experimental studies and prediction algorithms are not available or were not evaluated, and the functional significance of this variant is currently unknown. A similar copy number variant has been observed in individual(s) with epilepsy and intellectual disability (PMID: 30828795; Invitae). In at least one individual the variant was observed to be de novo. This variant is a gross deletion of the genomic region encompassing exon(s) 6 of the PCDH19 gene, which includes the termination codon. This deletion extends beyond the assayed region for this gene and therefore may encompass additional genes. While this deletion is not anticipated to lead to nonsense mediated decay, it is expected to alter mRNA translation or result in a truncated protein product.

Literature cited by the submitters: PubMed 30828795.